The following is an entry in ClinVar:

NM_006514.4(SCN10A):c.4282-16G>C

Gene: SCN10A (sodium voltage-gated channel alpha subunit 10; minus strand). Cytogenetic location: 3p22.2.
Variant type: single nucleotide variant.
Coding change: c.4282-16G>C on transcript NM_006514.4 (MANE Select); 16 bases into the intron before coding-DNA position 4282, G replaced by C.
Molecular consequence: intron variant.
Genome position (GRCh38, 1-based): chr3:38,707,399, C>G on the plus strand (G>C on the coding strand, the complement: SCN10A is on the minus strand). VCF-style: chr3-38707399-C-G. GRCh37 (hg19) VCF-style: chr3-38748890-C-G.
Other names: c.3988-16G>C (NM_001293307.2); c.4279-16G>C (NM_001293306.2).
Identifiers: ClinVar variation 507220 (VCV000507220.8), dbSNP rs376080236, ClinGen allele CA2319949.

ClinVar aggregate classification (germline): Likely benign. Review status: criteria provided, multiple submitters, no conflicts (2 of 4 stars). 2 submissions from 2 submitters: Likely benign (2). Last evaluated 2025-12-31.

Conditions:
Brugada syndrome. Also called: Sudden Unexplained Death Syndrome; Sudden Unexplained Nocturnal Death Syndrome (SUNDS); Sudden unexpected nocturnal death syndrome; Sudden unexplained nocturnal death syndrome. Identifiers: Orphanet 130, MedGen C1142166, MONDO:0015263.

Allele frequency attached by ClinVar (database versions not stated): gnomAD 0.00006; TOPMed 0.00016; ESP Exome Variant Server 0.00031.
gnomAD v4.1: 50 of 1,611,826 alleles (0.0031%); highest among the groups gnomAD compares: African/African-American, 0.063%; no homozygotes.

Submissions (2):

Labcorp Genetics (formerly Invitae), Labcorp
Classification: Likely benign for Brugada syndrome. Last evaluated: 2025-12-31. Review status: criteria provided, single submitter. Criteria: Invitae Variant Classification Sherloc (09022015). Collection method: clinical testing. Allele origin: germline.

GeneDx
Classification: Likely benign. Last evaluated: 2017-02-14. Review status: criteria provided, single submitter. Criteria: GeneDx Variant Classification (06012015). Collection method: clinical testing. Allele origin: germline. Affected: yes.
Comment: This variant is considered likely benign or benign based on one or more of the following criteria: it is a conservative change, it occurs at a poorly conserved position in the protein, it is predicted to be benign by multiple in silico algorithms, and/or has population frequency not consistent with disease.